The following is an entry in ClinVar:

ClinVar aggregate classification (germline): Conflicting classifications of pathogenicity. Review status: criteria provided, conflicting classifications (1 of 4 stars). 4 submissions from 4 submitters: Uncertain significance (2); Likely benign (2). Last evaluated 2026-04-09.

Conditions:
Cardiovascular phenotype. Identifiers: MedGen CN230736.
Catecholaminergic polymorphic ventricular tachycardia (CVPT). Also called: Catecholamine-induced polymorphic ventricular tachycardia. Identifiers: Orphanet 3286, MedGen C5574922, MONDO:0017990.
Cardiomyopathy (CMYO). Also called: Cardiomyopathies. Identifiers: Orphanet 167848, MedGen C0878544, MONDO:0004994, HP:0001638. Inheritance: Various modes of inheritance.
Catecholaminergic polymorphic ventricular tachycardia 1. Also called: VENTRICULAR TACHYCARDIA, STRESS-INDUCED POLYMORPHIC 1; VENTRICULAR TACHYCARDIA, CATECHOLAMINERGIC POLYMORPHIC, 1, WITH OR WITHOUT ATRIAL DYSFUNCTION AND/OR DILATED CARDIOMYOPATHY; RYR2-Related Catecholaminergic Polymorphic Ventricular Tachycardia. Identifiers: Orphanet 3286, MedGen C1631597, MONDO:0011484, OMIM 604772.

Allele frequency attached by ClinVar (database versions not stated): gnomAD 0.00001; TOPMed 0.00004; gnomAD exomes 0.00001 and 0.00003; ExAC 0.00001.
gnomAD v4.1: 18 of 1,608,298 alleles (0.0011%); highest among the groups gnomAD compares: Admixed American, 0.01%; no homozygotes.

Submissions (4):

Ambry Genetics
Classification: Uncertain significance for Cardiovascular phenotype. Last evaluated: 2026-04-09. Review status: criteria provided, single submitter. Criteria: Ambry Variant Classification Scheme 2023. Collection method: clinical testing. Allele origin: germline.
Comment: The c.9284A>G (p.N3095S) alteration is located in exon 65 (coding exon 65) of the RYR2 gene. This alteration results from a A to G substitution at nucleotide position 9284, causing the asparagine (N) at amino acid position 3095 to be replaced by a serine (S). Based on data from gnomAD, the G allele has an overall frequency of 0.003% (8/271412) total alleles studied. The highest observed frequency was 0.015% (5/34404) of Latino alleles. Based on insufficient or conflicting evidence, the clinical significance of this alteration remains unclear.

Labcorp Genetics (formerly Invitae), Labcorp
Classification: Likely benign for Catecholaminergic polymorphic ventricular tachycardia 1. Last evaluated: 2025-08-03. Review status: criteria provided, single submitter. Criteria: Invitae Variant Classification Sherloc (09022015). Collection method: clinical testing. Allele origin: germline.

Color Diagnostics, LLC DBA Color Health
Classification: Likely benign for Cardiomyopathy. Last evaluated: 2025-06-25. Review status: criteria provided, single submitter. Criteria: ACMG Guidelines, 2015. Collection method: clinical testing. Allele origin: germline.

All of Us Research Program, National Institutes of Health
Classification: Uncertain significance for Catecholaminergic polymorphic ventricular tachycardia. Last evaluated: 2024-09-23. Review status: criteria provided, single submitter. Criteria: ACMG Guidelines, 2015. Collection method: clinical testing. Allele origin: germline. Inheritance: Autosomal dominant inheritance. Observed: 7 variant alleles, 7 heterozygotes.
Comment: This missense variant replaces asparagine with serine at codon 3095 of the RYR2 protein. Computational prediction suggests that this variant may not impact protein structure and function (internally defined REVEL score threshold <= 0.5, PMID: 27666373). To our knowledge, functional studies have not been reported for this variant. This variant has been reported in an individual affected with sudden unexplained death (PMID: 29247119). This variant has been identified in 8/271412 chromosomes in the general population by the Genome Aggregation Database (gnomAD). The available evidence is insufficient to determine the role of this variant in disease conclusively. Therefore, this variant is classified as a Variant of Uncertain Significance.

This study involves interpretation of variants in research participants for the purpose of population health screening. Participant phenotype was not available at the time of variant classification. Additional details can be found in publication PMID: 35346344, PMCID: PMC8962531

Literature cited by the submitters: PubMed 29247119 (cited by All of Us Research Program, National Institutes of Health).

NM_001035.3(RYR2):c.9284A>G (p.Asn3095Ser)

Gene: RYR2 (ryanodine receptor 2; plus strand). Cytogenetic location: 1q43.
Variant type: single nucleotide variant.
Coding change: c.9284A>G on transcript NM_001035.3 (MANE Select); coding-DNA position 9284, A replaced by G.
Protein change: p.Asn3095Ser; replaces asparagine 3095 with serine.
Molecular consequence: missense variant.
Genome position (GRCh38, 1-based): chr1:237,700,384, A>G. VCF-style: chr1-237700384-A-G. GRCh37 (hg19) VCF-style: chr1-237863684-A-G.
Other names: short protein forms N3095S.
Identifiers: ClinVar variation 946926 (VCV000946926.18), dbSNP rs778591641, ClinGen allele CA087854.
Genomic context (GRCh38, chr1:237,700,384, plus strand): 5'-TCAAGCAGGGCCAGTTCACTCACACCCGAAACCAGCCCAAAGGGGTTACTCAGATTATCA[A>G]TTACACCACAGTGGCCCTGCTGCCAATGCTGTCTTCATTATTTGAACATATTGGCCAGCA-3'
Protein context (NP_001026.2, residues 3085-3105): NQPKGVTQII[Asn3095Ser]YTTVALLPML